The following is an entry in ClinVar:

NM_001429.4(EP300):c.4578G>C (p.Glu1526Asp)

Gene: EP300 (EP300 lysine acetyltransferase; plus strand). Cytogenetic location: 22q13.2.
Variant type: single nucleotide variant.
Coding change: c.4578G>C on transcript NM_001429.4 (MANE Select); coding-DNA position 4578, G replaced by C.
Protein change: p.Glu1526Asp; replaces glutamic acid 1526 with aspartic acid.
Molecular consequence: missense variant.
Genome position (GRCh38, 1-based): chr22:41,172,624, G>C. VCF-style: chr22-41172624-G-C. GRCh37 (hg19) VCF-style: chr22-41568628-G-C.
Other names: c.4500G>C, p.Glu1500Asp (NM_001362843.2); short protein forms E1526D, E1500D.
Identifiers: ClinVar variation 5008932 (VCV005008932.1).

ClinVar aggregate classification (germline): Uncertain significance (1 of 4 stars; one submission).

Submission:

GeneDx
Classification: Uncertain significance. Last evaluated: 2026-03-11. Review status: criteria provided, single submitter. Criteria: GeneDx Variant Classification Process June 2021. Collection method: clinical testing. Allele origin: germline.
Comment: Not observed at significant frequency in large population cohorts (gnomAD); In silico analysis supports that this missense variant has a deleterious effect on protein structure/function; Has not been previously published as pathogenic or benign to our knowledge